The following is an entry in ClinVar:

NM_000516.7(GNAS):c.393_394delinsTG (p.Leu132Val)

Gene: GNAS (GNAS complex locus; plus strand). Cytogenetic location: 20q13.32.
Variant type: Indel.
Coding change: c.393_394delinsTG on transcript NM_000516.7 (MANE Select); coding-DNA positions 393 to 394, CC replaced by TG.
Protein change: p.Leu132Val; replaces leucine 132 with valine.
Molecular consequence: missense variant. On other transcripts: 3 prime UTR variant (2).
Genome position (GRCh38, 1-based): chr20:58,903,752-58,903,753, CC replaced by TG. VCF-style: chr20-58903752-CC-TG. GRCh37 (hg19) VCF-style: chr20-57478807-CC-TG.
Other names: c.396_397delinsTG, p.Leu133Val (NM_001077488.5); c.348_349delinsTG, p.Leu117Val (NM_001077489.4); c.*254_*255delinsTG (NM_001077490.3); c.216_217delinsTG, p.Leu73Val (NM_001309840.2, NM_001309861.2); c.297_298delinsTG, p.Leu100Val (NM_001410912.1); c.2277_2278delinsTG, p.Leu760Val (NM_001410913.1); c.*299_*300delinsTG (NM_016592.5); c.2322_2323delinsTG, p.Leu775Val (NM_080425.4); and 1 more; short protein forms L118V, L73V, L775V, L117V, L760V, L100V, L132V, L133V.
Identifiers: ClinVar variation 3652964 (VCV003652964.2).

ClinVar aggregate classification (germline): Likely pathogenic (1 of 4 stars; one submission).

Submission:

Labcorp Genetics (formerly Invitae), Labcorp
Classification: Likely pathogenic. Last evaluated: 2024-07-22. Review status: criteria provided, single submitter. Criteria: Invitae Variant Classification Sherloc (09022015). Collection method: clinical testing. Allele origin: germline.
Comment: This sequence change replaces leucine, which is neutral and non-polar, with valine, which is neutral and non-polar, at codon 132 of the GNAS protein (p.Leu132Val). This variant is not present in population databases (gnomAD no frequency). This missense change has been observed in individual(s) with clinical features of pseudopseudohypoparathyroidism (Invitae). In at least one individual the variant was observed to be de novo. In summary, the currently available evidence indicates that the variant is pathogenic, but additional data are needed to prove that conclusively. Therefore, this variant has been classified as Likely Pathogenic.